The following is an entry in ClinVar:

ClinVar aggregate classification (germline): Benign (0 of 4 stars; one submission).

Conditions:
HAVCR1-related disorder. Also called: HAVCR1-related condition.

Allele frequency attached by ClinVar (database versions not stated): ExAC 0.00262; gnomAD 0.00839; ESP Exome Variant Server 0.00950; TOPMed 0.00968; 1000 Genomes Project 30x 0.01124; 1000 Genomes Project 0.01138.
gnomAD v4.1: 2,672 of 1,612,780 alleles (0.17%); highest among the groups gnomAD compares: African/African-American, 2.8%; 36 homozygotes.

Submission:

PreventionGenetics, part of Exact Sciences
Classification: Benign for HAVCR1-related condition. Last evaluated: 2019-03-12. Review status: no assertion criteria provided. Collection method: clinical testing. Allele origin: germline.
Comment: This variant is classified as benign based on ACMG/AMP sequence variant interpretation guidelines (Richards et al. 2015 PMID: 25741868, with internal and published modifications).

NM_001173393.3(HAVCR1):c.*13C>A

Gene: HAVCR1 (hepatitis A virus cellular receptor 1; minus strand). Cytogenetic location: 5q33.3.
Variant type: single nucleotide variant.
Coding change: c.*13C>A on transcript NM_001173393.3 (MANE Select); 13 bases downstream of the stop codon, C replaced by A.
Molecular consequence: 3 prime UTR variant. On other transcripts: nonsense (1).
Genome position (GRCh38, 1-based): chr5:157,029,720, G>T on the plus strand (C>A on the coding strand, the complement: HAVCR1 is on the minus strand). VCF-style: chr5-157029720-G-T. GRCh37 (hg19) VCF-style: chr5-156456731-G-T.
Other names: c.1074C>A, p.Cys358Ter (NM_001308156.2); c.*13C>A (NM_012206.3); short protein forms C358*.
Identifiers: ClinVar variation 3037347 (VCV003037347.2), dbSNP rs111759551, ClinGen allele CA3531336.